The following is an entry in ClinVar:

NM_201384.3(PLEC):c.10707G>T (p.Glu3569Asp)

Gene: PLEC (plectin; minus strand). Cytogenetic location: 8q24.3.
Variant type: single nucleotide variant.
Coding change: c.10707G>T on transcript NM_201384.3 (MANE Select); coding-DNA position 10707, G replaced by T.
Protein change: p.Glu3569Asp; replaces glutamic acid 3569 with aspartic acid.
Molecular consequence: missense variant.
Genome position (GRCh38, 1-based): chr8:143,919,114, C>A on the plus strand (G>T on the coding strand, the complement: PLEC is on the minus strand). VCF-style: chr8-143919114-C-A. GRCh37 (hg19) VCF-style: chr8-144993282-C-A.
Other names: c.10788G>T, p.Glu3596Asp (NM_000445.5); c.7407G>T, p.Glu2469Asp (NM_001410941.1); c.10665G>T, p.Glu3555Asp (NM_201378.4); c.10641G>T, p.Glu3547Asp (NM_201379.3); c.11118G>T, p.Glu3706Asp (NM_201380.4); c.10611G>T, p.Glu3537Asp (NM_201381.3); c.10707G>T, p.Glu3569Asp (NM_201382.4); c.10719G>T, p.Glu3573Asp (NM_201383.3); short protein forms E2469D, E3547D, E3555D, E3569D, E3573D, E3706D, E3596D, E3537D.
Identifiers: ClinVar variation 2107110 (VCV002107110.4), dbSNP rs782029341, ClinGen allele CA372497038.

ClinVar aggregate classification (germline): Uncertain significance (1 of 4 stars; one submission).

Conditions:
Epidermolysis bullosa simplex 5C, with pyloric atresia (EBS5C). Also called: PLEC-Related Epidermolysis Bullosa with Pyloric Atresia; Epidermolysis bullosa simplex with pyloric atresia; PLEC1-Related Epidermolysis Bullosa with Pyloric Atresia. Identifiers: Orphanet 158684, MedGen C2677349, MONDO:0012807, OMIM 612138.
Autosomal recessive limb-girdle muscular dystrophy type 2Q (LGMDR17). Also called: MUSCULAR DYSTROPHY, LIMB-GIRDLE, AUTOSOMAL RECESSIVE 17. Identifiers: Orphanet 254361, MedGen C3150989, MONDO:0013390, OMIM 613723.
Epidermolysis bullosa simplex, Ogna type (EBS5A). Also called: Pidermolysis bullosa simplex 5A, Ogna type; EPIDERMOLYSIS BULLOSA SIMPLEX 5A, OGNA TYPE. Identifiers: Orphanet 79401, MedGen C0432317, MONDO:0007555, OMIM 131950.
Epidermolysis bullosa simplex 5B, with muscular dystrophy (EBS5B). Also called: Epidermolysis bullosa simplex with muscular dystrophy; EPIDERMOLYSIS BULLOSA SIMPLEX AND LIMB-GIRDLE MUSCULAR DYSTROPHY. Identifiers: Orphanet 257, MedGen C2931072, MONDO:0009181, OMIM 226670.
Epidermolysis bullosa simplex with nail dystrophy (EBS5D). Identifiers: MedGen C4225309, MONDO:0014661, OMIM 616487.

gnomAD v4.1: 2 of 1,612,972 alleles (0.00012%); highest among the groups gnomAD compares: East Asian, 0.0045%; no homozygotes.

Submission:

Labcorp Genetics (formerly Invitae), Labcorp
Classification: Uncertain significance for Autosomal recessive limb-girdle muscular dystrophy type 2Q; Epidermolysis bullosa simplex, Ogna type; Epidermolysis bullosa simplex with nail dystrophy; Epidermolysis bullosa simplex 5C, with pyloric atresia; Epidermolysis bullosa simplex 5B, with muscular dystrophy. Last evaluated: 2026-01-14. Review status: criteria provided, single submitter. Criteria: Invitae Variant Classification Sherloc (09022015). Collection method: clinical testing. Allele origin: germline.
Comment: This sequence change replaces glutamic acid, which is acidic and polar, with aspartic acid, which is acidic and polar, at codon 3596 of the PLEC protein (p.Glu3596Asp). This variant is present in population databases (no rsID available, gnomAD 0.02%). This variant has not been reported in the literature in individuals affected with PLEC-related conditions. ClinVar contains an entry for this variant (Variation ID: 2107110). An algorithm developed to predict the effect of missense changes on protein structure and function (PolyPhen-2) suggests that this variant is likely to be tolerated. In summary, the available evidence is currently insufficient to determine the role of this variant in disease. Therefore, it has been classified as a Variant of Uncertain Significance.